The following is an entry in ClinVar:

ClinVar aggregate classification (germline): Uncertain significance (1 of 4 stars; one submission).

Conditions:
Myopathy, tubular aggregate, 2 (TAM2). Identifiers: MedGen C4014557, MONDO:0014383, OMIM 615883.
Combined immunodeficiency due to ORAI1 deficiency. Also called: IMMUNODEFICIENCY 9. Identifiers: Orphanet 169090, Orphanet 317428, MedGen C2748568, MONDO:0013007, OMIM 612782.

Submission:

Labcorp Genetics (formerly Invitae), Labcorp
Classification: Uncertain significance for Myopathy, tubular aggregate, 2; Combined immunodeficiency due to ORAI1 deficiency. Last evaluated: 2024-10-02. Review status: criteria provided, single submitter. Criteria: Invitae Variant Classification Sherloc (09022015). Collection method: clinical testing. Allele origin: germline.
Comment: This sequence change replaces glycine, which is neutral and non-polar, with arginine, which is basic and polar, at codon 21 of the ORAI1 protein (p.Gly21Arg). This variant is not present in population databases (gnomAD no frequency). This variant has not been reported in the literature in individuals affected with ORAI1-related conditions. Experimental studies and prediction algorithms are not available or were not evaluated, and the functional significance of this variant is currently unknown. In summary, the available evidence is currently insufficient to determine the role of this variant in disease. Therefore, it has been classified as a Variant of Uncertain Significance.

NM_032790.4(ORAI1):c.61G>C (p.Gly21Arg)

Genes: ORAI1 (ORAI calcium release-activated calcium modulator 1; plus strand), LOC130008987 (ATAC-STARR-seq lymphoblastoid silent region 4981; plus strand). Cytogenetic location: 12q24.31.
Variant type: single nucleotide variant.
Coding change: c.61G>C on transcript NM_032790.4 (MANE Select); coding-DNA position 61, G replaced by C.
Protein change: p.Gly21Arg; replaces glycine 21 with arginine.
Molecular consequence: missense variant. On other transcripts: non-coding transcript variant (1).
Genome position (GRCh38, 1-based): chr12:121,626,803, G>C. VCF-style: chr12-121626803-G-C. GRCh37 (hg19) VCF-style: chr12-122064708-G-C.
Other names: short protein forms G21R.
Identifiers: ClinVar variation 2937222 (VCV002937222.3), dbSNP rs1451886623, ClinGen allele CA386980372.